The following is an entry in ClinVar:

ClinVar aggregate classification (germline): Uncertain significance. Review status: criteria provided, single submitter (1 of 4 stars). 2 submissions from 2 submitters: Uncertain significance (1). 1 of the submissions does not count toward it. Last evaluated 2025-11-03.

Conditions:
RNF113A-related disorder. Also called: RNF113A-related condition.

Submissions (2):

Labcorp Genetics (formerly Invitae), Labcorp
Classification: Uncertain significance. Last evaluated: 2025-11-03. Review status: criteria provided, single submitter. Criteria: Invitae Variant Classification Sherloc (09022015). Collection method: clinical testing. Allele origin: germline.
Comment: This sequence change affects codon 331 of the RNF113A mRNA. It is a 'silent' change, meaning that it does not change the encoded amino acid sequence of the RNF113A protein. This variant is not present in population databases (gnomAD no frequency). This variant has not been reported in the literature in individuals affected with RNF113A-related conditions. ClinVar contains an entry for this variant (Variation ID: 2980539). In summary, the available evidence is currently insufficient to determine the role of this variant in disease. Therefore, it has been classified as a Variant of Uncertain Significance.

PreventionGenetics, part of Exact Sciences
Classification: Likely benign for RNF113A-related condition. Last evaluated: 2023-01-06. Review status: no assertion criteria provided. Collection method: clinical testing. Allele origin: germline. Not counted in ClinVar's aggregate classification.
Comment: This variant is classified as likely benign based on ACMG/AMP sequence variant interpretation guidelines (Richards et al. 2015 PMID: 25741868, with internal and published modifications).

NM_006978.3(RNF113A):c.993G>A (p.Leu331=)

Gene: RNF113A (ring finger protein 113A; minus strand). Cytogenetic location: Xq24.
Variant type: single nucleotide variant.
Coding change: c.993G>A on transcript NM_006978.3 (MANE Select); coding-DNA position 993, G replaced by A.
Protein change: p.Leu331=; no amino-acid change (leucine 331 retained).
Molecular consequence: synonymous variant.
Genome position (GRCh38, 1-based): chrX:119,870,621, C>T on the plus strand (G>A on the coding strand, the complement: RNF113A is on the minus strand). VCF-style: chrX-119870621-C-T. GRCh37 (hg19) VCF-style: chrX-119004584-C-T.
Other names: c.993G>A (NM_006978.2).
Identifiers: ClinVar variation 2980539 (VCV002980539.5), dbSNP rs2521607041, ClinGen allele CA518446788.